The following is an entry in ClinVar:

NM_001378452.1(ITPR1):c.2299C>T (p.Arg767Cys)

Gene: ITPR1 (inositol 1,4,5-trisphosphate receptor type 1; plus strand). Cytogenetic location: 3p26.1.
Variant type: single nucleotide variant.
Coding change: c.2299C>T on transcript NM_001378452.1 (MANE Select); coding-DNA position 2299, C replaced by T.
Protein change: p.Arg767Cys; replaces arginine 767 with cysteine.
Molecular consequence: missense variant.
Genome position (GRCh38, 1-based): chr3:4,673,230, C>T. VCF-style: chr3-4673230-C-T. GRCh37 (hg19) VCF-style: chr3-4714914-C-T.
Other names: c.2299C>T, p.Arg767Cys (NM_001099952.4); c.2254C>T, p.Arg752Cys (NM_001168272.2, NM_002222.7); short protein forms R767C, R752C.
Identifiers: ClinVar variation 901202 (VCV000901202.30), dbSNP rs377248442, ClinGen allele CA2231387.

ClinVar aggregate classification (germline): Conflicting classifications of pathogenicity. Review status: criteria provided, conflicting classifications (1 of 4 stars). 7 submissions from 7 submitters: Uncertain significance (6); Likely benign (1). Last evaluated 2026-01-21.

Conditions:
ITPR1-related disorder. Also called: ITPR1-related condition.
Autosomal dominant cerebellar ataxia. Also called: Spinocerebellar Ataxia, Dominant. Identifiers: Orphanet 99, MedGen C4087347, MONDO:0020380.

Allele frequency attached by ClinVar (database versions not stated): ExAC 0.00004; gnomAD exomes 0.00008 and 0.00010; gnomAD 0.00011; TOPMed 0.00014; ESP Exome Variant Server 0.00024.
gnomAD v4.1: 167 of 1,613,976 alleles (0.01%); highest among the groups gnomAD compares: African/African-American, 0.027%; no homozygotes.

Submissions (7):

Labcorp Genetics (formerly Invitae), Labcorp
Classification: Uncertain significance. Last evaluated: 2026-01-21. Review status: criteria provided, single submitter. Criteria: Invitae Variant Classification Sherloc (09022015). Collection method: clinical testing. Allele origin: germline.
Comment: This sequence change replaces arginine, which is basic and polar, with cysteine, which is neutral and slightly polar, at codon 752 of the ITPR1 protein (p.Arg752Cys). This variant is present in population databases (rs377248442, gnomAD 0.02%). This variant has not been reported in the literature in individuals affected with ITPR1-related conditions. ClinVar contains an entry for this variant (Variation ID: 901202). Invitae Evidence Modeling of protein sequence and biophysical properties (such as structural, functional, and spatial information, amino acid conservation, physicochemical variation, residue mobility, and thermodynamic stability) has been performed for this missense variant. However, the output from this modeling did not meet the statistical confidence thresholds required to predict the impact of this variant on ITPR1 protein function. In summary, the available evidence is currently insufficient to determine the role of this variant in disease. Therefore, it has been classified as a Variant of Uncertain Significance.

PreventionGenetics, part of Exact Sciences
Classification: Uncertain significance for ITPR1-related condition. Last evaluated: 2025-08-27. Review status: criteria provided, single submitter. Criteria: ACMG Guidelines, 2015. Collection method: clinical testing. Allele origin: germline.
Comment: The ITPR1 c.2254C>T variant is predicted to result in the amino acid substitution p.Arg752Cys. This variant was reported in an individual in an autism cohort study (Patient GX0284.p1 in Data 3, Guo et al. 2018. PubMed ID: 30564305). This variant is reported in 0.025% of alleles in individuals of African descent in gnomAD. At this time, the clinical significance of this variant is uncertain due to the absence of conclusive functional and genetic evidence.

Athena Diagnostics
Classification: Uncertain significance. Last evaluated: 2024-09-30. Review status: criteria provided, single submitter. Criteria: Athena Diagnostics Criteria. Collection method: clinical testing. Allele origin: unknown.
Comment: Available data are insufficient to determine the clinical significance of the variant at this time. The frequency of this variant in the general population is higher than would generally be expected for pathogenic variants in this gene. Polyphen and MutationTaster predict this amino acid change may be damaging to the protein.

CeGaT Center for Human Genetics Tuebingen
Classification: Uncertain significance. Last evaluated: 2024-07-01. Review status: criteria provided, single submitter. Criteria: CeGaT Center For Human Genetics Tuebingen Variant Classification Criteria Version 2. Collection method: clinical testing. Allele origin: germline. Affected: yes. Observed: 1 variant allele.
Comment: ITPR1: PP3

Women's Health and Genetics/Laboratory Corporation of America, LabCorp
Classification: Uncertain significance. Last evaluated: 2024-04-29. Review status: criteria provided, single submitter. Criteria: LabCorp Variant Classification Summary - May 2015. Collection method: clinical testing. Allele origin: germline.
Comment: Variant summary: ITPR1 c.2254C>T (p.Arg752Cys) results in a non-conservative amino acid change in the encoded protein sequence. Five of five in-silico tools predict a damaging effect of the variant on protein function. The variant allele was found at a frequency of 7.6e-05 in 249100 control chromosomes. c.2254C>T has been reported in the literature in one individual affected with Autism, withou strong evidence for causality (Guo_2018). These report(s) do not provide unequivocal conclusions about association of the variant with Spinocerebellar Ataxia 29. To our knowledge, no experimental evidence demonstrating an impact on protein function has been reported. The following publication have been ascertained in the context of this evaluation (PMID: 30564305). ClinVar contains an entry for this variant (Variation ID: 901202). Based on the evidence outlined above, the variant was classified as uncertain significance.

GeneDx
Classification: Uncertain significance. Last evaluated: 2020-12-14. Review status: criteria provided, single submitter. Criteria: GeneDx Variant Classification Process June 2021. Collection method: clinical testing. Allele origin: germline. Affected: yes.
Comment: Maternally inherited in one individual with autism identified through sequencing (Guo et al., 2018); In silico analysis supports that this missense variant has a deleterious effect on protein structure/function; This variant is associated with the following publications: (PMID: 30564305)

Illumina Laboratory Services, Illumina
Classification: Likely benign for Spinocerebellar Ataxia, Dominant. Last evaluated: 2018-01-13. Review status: criteria provided, single submitter. Criteria: ICSL Variant Classification Criteria 13 December 2019. Collection method: clinical testing. Allele origin: germline.
Comment: This variant was observed in the ICSL laboratory as part of a predisposition screen in an ostensibly healthy population. It had not been previously curated by ICSL or reported in the Human Gene Mutation Database (HGMD: prior to June 1st, 2018), and was therefore a candidate for classification through an automated scoring system. Utilizing variant allele frequency, disease prevalence and penetrance estimates, and inheritance mode, an automated score was calculated to assess if this variant is too frequent to cause the disease. Based on the score and internal cut-off values, a variant classified as likely benign is not then subjected to further curation. The score for this variant resulted in a classification of likely benign for this disease.

Literature cited by the submitters: PubMed 30564305 (cited by Athena Diagnostics and Women's Health and Genetics/Laboratory Corporation of America, LabCorp).